The following is an entry in ClinVar:

ClinVar aggregate classification (germline): Likely pathogenic. Review status: criteria provided, multiple submitters, no conflicts (2 of 4 stars). 2 submissions from 2 submitters: Likely pathogenic (2). Last evaluated 2023-02-03.

Conditions:
PNPT1-related disorder. Also called: PNPT1-related condition; PNPT1-related disorders.

Allele frequency attached by ClinVar (database versions not stated): gnomAD 0.00001; gnomAD exomes 0.00001; TOPMed 0.00001.
gnomAD v4.1: 12 of 1,614,076 alleles (0.00074%); highest among the groups gnomAD compares: Non-Finnish European, 0.001%; no homozygotes.

Submissions (2):

Labcorp Genetics (formerly Invitae), Labcorp
Classification: Likely pathogenic. Last evaluated: 2023-02-03. Review status: criteria provided, single submitter. Criteria: Invitae Variant Classification Sherloc (09022015). Collection method: clinical testing. Allele origin: germline.
Comment: In summary, the currently available evidence indicates that the variant is pathogenic, but additional data are needed to prove that conclusively. Therefore, this variant has been classified as Likely Pathogenic. Algorithms developed to predict the effect of sequence changes on RNA splicing suggest that this variant may disrupt the consensus splice site. This variant has not been reported in the literature in individuals affected with PNPT1-related conditions. This variant is present in population databases (no rsID available, gnomAD 0.0009%). This sequence change affects an acceptor splice site in intron 24 of the PNPT1 gene. It is expected to disrupt RNA splicing. Variants that disrupt the donor or acceptor splice site typically lead to a loss of protein function (PMID: 16199547), and loss-of-function variants in PNPT1 are known to be pathogenic (PMID: 28594066, 30244537).

Blueprint Genetics
Classification: Likely pathogenic for PNPT1-related disorders. Last evaluated: 2020-04-26. Review status: criteria provided, single submitter. Criteria: ACMG Guidelines, 2015. Collection method: clinical testing. Allele origin: germline. Affected: yes. Observed: 1 variant allele.

Literature cited by the submitters: PubMed 16199547 (cited by Labcorp Genetics (formerly Invitae), Labcorp); PubMed 28594066 (cited by Labcorp Genetics (formerly Invitae), Labcorp); PubMed 30244537 (cited by Labcorp Genetics (formerly Invitae), Labcorp).

NM_033109.5(PNPT1):c.2014-2A>G

Gene: PNPT1 (polyribonucleotide nucleotidyltransferase 1; minus strand). Cytogenetic location: 2p16.1.
Variant type: single nucleotide variant.
Coding change: c.2014-2A>G on transcript NM_033109.5 (MANE Select); the canonical splice acceptor site of the intron before coding-DNA position 2014, A replaced by G.
Molecular consequence: splice acceptor variant.
Genome position (GRCh38, 1-based): chr2:55,643,215, T>C on the plus strand (A>G on the coding strand, the complement: PNPT1 is on the minus strand). VCF-style: chr2-55643215-T-C. GRCh37 (hg19) VCF-style: chr2-55870350-T-C.
Identifiers: ClinVar variation 3000760 (VCV003000760.4), dbSNP rs1321427758, ClinGen allele CA346923854.